The following is an entry in ClinVar:

NM_001376.5(DYNC1H1):c.6553G>A (p.Val2185Met)

Gene: DYNC1H1 (dynein cytoplasmic 1 heavy chain 1; plus strand). Cytogenetic location: 14q32.31.
Variant type: single nucleotide variant.
Coding change: c.6553G>A on transcript NM_001376.5 (MANE Select); coding-DNA position 6553, G replaced by A.
Protein change: p.Val2185Met; replaces valine 2185 with methionine.
Molecular consequence: missense variant.
Genome position (GRCh38, 1-based): chr14:102,010,887, G>A. VCF-style: chr14-102010887-G-A. GRCh37 (hg19) VCF-style: chr14-102477224-G-A.
Other names: short protein forms V2185M.
Identifiers: ClinVar variation 3367572 (VCV003367572.1).

ClinVar aggregate classification (germline): Uncertain significance (1 of 4 stars; one submission).

Submission:

GeneDx
Classification: Uncertain significance. Last evaluated: 2024-01-08. Review status: criteria provided, single submitter. Criteria: GeneDx Variant Classification Process June 2021. Collection method: clinical testing. Allele origin: germline. Affected: yes.
Comment: Not observed at significant frequency in large population cohorts (gnomAD); In silico analysis supports that this missense variant has a deleterious effect on protein structure/function; Has not been previously published as pathogenic or benign to our knowledge; This variant is associated with the following publications: (PMID: 25512093, 25609763, 26100331)